The following is an entry in ClinVar:

NM_001906.6(CTRB1):c.633C>T (p.Gly211=)

Gene: CTRB1 (chymotrypsinogen B1; plus strand). Cytogenetic location: 16q23.1.
Variant type: single nucleotide variant.
Coding change: c.633C>T on transcript NM_001906.6 (MANE Select); coding-DNA position 633, C replaced by T.
Protein change: p.Gly211=; no amino-acid change (glycine 211 retained).
Molecular consequence: synonymous variant. On other transcripts: nonsense (1).
Genome position (GRCh38, 1-based): chr16:75,224,707, C>T. VCF-style: chr16-75224707-C-T. GRCh37 (hg19) VCF-style: chr16-75258605-C-T.
Other names: c.499C>T, p.Arg167Ter (NM_001329190.2); short protein forms R167*.
Identifiers: ClinVar variation 161585 (VCV000161585.2), dbSNP rs193920783, ClinGen allele CA174397.

ClinVar aggregate classification (germline): Uncertain significance (0 of 4 stars; one submission).

Conditions:
Prostate cancer. Also called: Malignant tumor of prostate. Identifiers: Orphanet 1331, MedGen C0376358, MONDO:0008315, HP:0012125.

Allele frequency attached by ClinVar (database versions not stated): ExAC 0.00002; TOPMed 0.00002; gnomAD 0.00001; gnomAD exomes 0.00001 and 0.00002.
gnomAD v4.1: 19 of 1,608,868 alleles (0.0012%); highest among the groups gnomAD compares: Middle Eastern, 0.017%; no homozygotes.

Submission:

Science for Life laboratory,  Karolinska Institutet
Classification: Uncertain significance for Malignant tumor of prostate. Review status: no assertion criteria provided. Collection method: not provided. Allele origin: somatic.
Comment: TumorID:SWE-10
ClinVar note: Converted during submission from Unknown to Uncertain significance.